The following is an entry in ClinVar:

NM_032119.4(ADGRV1):c.13364G>C (p.Ser4455Thr)

Gene: ADGRV1 (adhesion G protein-coupled receptor V1; plus strand). Cytogenetic location: 5q14.3.
Variant type: single nucleotide variant.
Coding change: c.13364G>C on transcript NM_032119.4 (MANE Select); coding-DNA position 13364, G replaced by C.
Protein change: p.Ser4455Thr; replaces serine 4455 with threonine.
Molecular consequence: missense variant. On other transcripts: non-coding transcript variant (1).
Genome position (GRCh38, 1-based): chr5:90,783,256, G>C. VCF-style: chr5-90783256-G-C. GRCh37 (hg19) VCF-style: chr5-90079073-G-C.
Other names: short protein forms S4455T.
Identifiers: ClinVar variation 2064921 (VCV002064921.1), dbSNP rs727503081, ClinGen allele CA360394117.

ClinVar aggregate classification (germline): Uncertain significance (1 of 4 stars; one submission).

gnomAD v4.1: 14 of 1,613,430 alleles (0.00087%); highest among the groups gnomAD compares: Admixed American, 0.0033%; no homozygotes.

Submission:

Labcorp Genetics (formerly Invitae), Labcorp
Classification: Uncertain significance. Last evaluated: 2022-03-09. Review status: criteria provided, single submitter. Criteria: Invitae Variant Classification Sherloc (09022015). Collection method: clinical testing. Allele origin: germline.
Comment: This sequence change replaces serine, which is neutral and polar, with threonine, which is neutral and polar, at codon 4455 of the ADGRV1 protein (p.Ser4455Thr). This variant is present in population databases (no rsID available, gnomAD 0.003%). This variant has not been reported in the literature in individuals affected with ADGRV1-related conditions. Algorithms developed to predict the effect of missense changes on protein structure and function are either unavailable or do not agree on the potential impact of this missense change (SIFT: "Tolerated"; PolyPhen-2: "Probably Damaging"; Align-GVGD: "Class C0"). In summary, the available evidence is currently insufficient to determine the role of this variant in disease. Therefore, it has been classified as a Variant of Uncertain Significance.